The following is an entry in ClinVar:

NM_001040716.2(PC):c.1969_1971del (p.Asn657del)

Gene: PC (pyruvate carboxylase; minus strand). Cytogenetic location: 11q13.2.
Variant type: Deletion.
Coding change: c.1969_1971del on transcript NM_001040716.2 (MANE Select); coding-DNA positions 1969 to 1971, 3 bases deleted (AAC; older notation c.1969_1971delAAC).
Protein change: p.Asn657del; deletes asparagine 657.
Molecular consequence: inframe deletion.
Genome position (GRCh38, 1-based): chr11:66,851,801-66,851,803, GTT deleted on the plus strand (AAC on the coding strand, the reverse complement: PC is on the minus strand); deleting any 3 consecutive bases within chr11:66,851,801-66,851,805 gives the same sequence; the c. name uses the placement nearest the transcript's 3' end. VCF-style (leftmost placement, unchanged base first): chr11-66851800-CGTT-C. GRCh37 (hg19) VCF-style: chr11-66619271-CGTT-C.
Other names: c.1969_1971del, p.Asn657del (NM_000920.4, NM_001439352.1, NM_001439353.1 and 5 more transcripts); short protein forms N657del.
Identifiers: ClinVar variation 5004747 (VCV005004747.1).

ClinVar aggregate classification (germline): Uncertain significance (1 of 4 stars; one submission).

Conditions:
Pyruvate carboxylase deficiency. Also called: ATAXIA WITH LACTIC ACIDOSIS II; LEIGH NECROTIZING ENCEPHALOPATHY DUE TO PYRUVATE CARBOXYLASE DEFICIENCY; LEIGH SYNDROME DUE TO PYRUVATE CARBOXYLASE DEFICIENCY; PC DEFICIENCY; Pyruvate Carboxylase Deficiency Disease. Identifiers: Orphanet 3008, MedGen C0034341, MONDO:0009949, OMIM 266150.

Submission:

Myriad Genetics, Inc.
Classification: Uncertain significance for Pyruvate carboxylase deficiency. Last evaluated: 2026-06-22. Review status: criteria provided, single submitter. Criteria: Myriad Autosomal Dominant, Autosomal Recessive and X-Linked Classification Criteria (2023). Collection method: clinical testing. Allele origin: unknown.
Comment: NM_000920.3(PC):c.1969_1971delAAC(N657del) is an in-frame deletion classified as a variant of uncertain significance in the context of pyruvate carboxylase deficiency. N657del has not been observed in cases with relevant disease. Relevant functional assessments of this variant are not available in the literature. N657del has not been observed in referenced population frequency databases. In summary, there is insufficient evidence to classify NM_000920.3(PC):c.1969_1971delAAC(N657del) as pathogenic or benign. Please note: this variant was assessed in the context of healthy population screening.